The following is an entry in ClinVar:

NM_001453.3(FOXC1):c.973_976dup (p.Ala326fs)

Gene: FOXC1 (forkhead box C1; plus strand). Cytogenetic location: 6p25.3.
Variant type: Duplication.
Coding change: c.973_976dup on transcript NM_001453.3 (MANE Select); coding-DNA positions 973 to 976, 4 bases duplicated (GCCG; older notation c.973_976dupGCCG).
Protein change: p.Ala326fs; shifts the reading frame from alanine 326.
Molecular consequence: frameshift variant.
Genome position (GRCh38, 1-based): chr6:1,611,418-1,611,421, GCCG duplicated; duplicating any 4 consecutive bases within chr6:1,611,416-1,611,421 gives the same sequence; the c. name uses the placement nearest the transcript's 3' end. VCF-style (leftmost placement, unchanged base first): chr6-1611415-G-GCGGC. GRCh37 (hg19) VCF-style: chr6-1611650-G-GCGGC.
Other names: short protein forms A326fs.
Identifiers: ClinVar variation 2014354 (VCV002014354.4), dbSNP rs2480504935, ClinGen allele CA2580074201.
Genomic context (GRCh38, chr6:1,611,415, plus strand): 5'-CATAGCCAGGGCTTCAGCGTGGACAACATCATGACGTCGCTGCGGGGGTCGCCGCAGAGC[G>GCGGC]CGGCCGCGGAGCTCAGCTCCGGCCTTCTGGCCTCGGCGGCCGCGTCCTCGCGCGCGGGGA-3'

ClinVar aggregate classification (germline): Pathogenic (1 of 4 stars; one submission).

Conditions:
Axenfeld-Rieger syndrome type 3 (RIEG3). Also called: AXENFELD-RIEGER ANOMALY WITH CARDIAC DEFECTS AND/OR SENSORINEURAL HEARING LOSS. Identifiers: Orphanet 782, MedGen C2678503, MONDO:0011233, OMIM 602482.

Submission:

Labcorp Genetics (formerly Invitae), Labcorp
Classification: Pathogenic for Axenfeld-Rieger syndrome type 3. Last evaluated: 2022-08-03. Review status: criteria provided, single submitter. Criteria: Invitae Variant Classification Sherloc (09022015). Collection method: clinical testing. Allele origin: germline.
Comment: This variant disrupts a region of the FOXC1 protein in which other variant(s) (p.Ala381Glyfs*147) have been determined to be pathogenic (PMID: 11170889, 16936096, 20881294). This suggests that this is a clinically significant region of the protein, and that variants that disrupt it are likely to be disease-causing. For these reasons, this variant has been classified as Pathogenic. This variant has not been reported in the literature in individuals affected with FOXC1-related conditions. This sequence change creates a premature translational stop signal (p.Ala326Glyfs*203) in the FOXC1 gene. While this is not anticipated to result in nonsense mediated decay, it is expected to disrupt the last 228 amino acid(s) of the FOXC1 protein. This variant is not present in population databases (gnomAD no frequency).

Literature cited by the submitters: PubMed 11170889; PubMed 16936096; PubMed 20881294.